The following is an entry in ClinVar:

NM_001130438.3(SPTAN1):c.3094C>T (p.Arg1032Trp)

Gene: SPTAN1 (spectrin alpha, non-erythrocytic 1; plus strand). Cytogenetic location: 9q34.11.
Variant type: single nucleotide variant.
Coding change: c.3094C>T on transcript NM_001130438.3 (MANE Select); coding-DNA position 3094, C replaced by T.
Protein change: p.Arg1032Trp; replaces arginine 1032 with tryptophan.
Molecular consequence: missense variant.
Genome position (GRCh38, 1-based): chr9:128,591,564, C>T. VCF-style: chr9-128591564-C-T. GRCh37 (hg19) VCF-style: chr9-131353843-C-T.
Other names: c.3094C>T, p.Arg1032Trp (NM_001195532.2, NM_001363759.2, NM_001363765.2 and 10 more transcripts); c.3130C>T, p.Arg1044Trp (NM_001375312.2, NM_001375318.1, NM_001438440.1); short protein forms R1044W, R1032W.
Identifiers: ClinVar variation 4772268 (VCV004772268.1).

ClinVar aggregate classification (germline): Uncertain significance (1 of 4 stars; one submission).

Conditions:
Early-infantile DEE. Also called: Early infantile epileptic encephalopathy; Ohtahara syndrome; Early infantile epileptic encephalopathy with suppression bursts. Identifiers: Orphanet 1934, MedGen C0393706, MONDO:0800491.

Submission:

Labcorp Genetics (formerly Invitae), Labcorp
Classification: Uncertain significance for Early-infantile DEE. Last evaluated: 2025-05-05. Review status: criteria provided, single submitter. Criteria: Invitae Variant Classification Sherloc (09022015). Collection method: clinical testing. Allele origin: germline.
Comment: This sequence change replaces arginine, which is basic and polar, with tryptophan, which is neutral and slightly polar, at codon 1032 of the SPTAN1 protein (p.Arg1032Trp). This variant is not present in population databases (gnomAD no frequency). This variant has not been reported in the literature in individuals affected with SPTAN1-related conditions. Invitae Evidence Modeling of protein sequence and biophysical properties (such as structural, functional, and spatial information, amino acid conservation, physicochemical variation, residue mobility, and thermodynamic stability) has been performed for this missense variant. However, the output from this modeling did not meet the statistical confidence thresholds required to predict the impact of this variant on SPTAN1 protein function. In summary, the available evidence is currently insufficient to determine the role of this variant in disease. Therefore, it has been classified as a Variant of Uncertain Significance.